The following is an entry in ClinVar:

ClinVar aggregate classification (germline): Uncertain significance (1 of 4 stars; one submission).

Conditions:
Cardiovascular phenotype. Identifiers: MedGen CN230736.

Submission:

Ambry Genetics
Classification: Uncertain significance for Cardiovascular phenotype. Last evaluated: 2026-07-02. Review status: criteria provided, single submitter. Criteria: Ambry Variant Classification Scheme 2023. Collection method: clinical testing. Allele origin: germline.
Comment: The p.S239N variant (also known as c.716G>A), located in coding exon 4 of the LMNA gene, results from a G to A substitution at nucleotide position 716. The serine at codon 239 is replaced by asparagine, an amino acid with highly similar properties. This amino acid position is conserved. In addition, this alteration is predicted to be tolerated by in silico analysis. Based on the available evidence, the clinical significance of this variant remains unclear.

NM_170707.4(LMNA):c.716G>A (p.Ser239Asn)

Gene: LMNA (lamin A/C; plus strand). Cytogenetic location: 1q22.
Variant type: single nucleotide variant.
Coding change: c.716G>A on transcript NM_170707.4 (MANE Select); coding-DNA position 716, G replaced by A.
Protein change: p.Ser239Asn; replaces serine 239 with asparagine.
Molecular consequence: missense variant.
Genome position (GRCh38, 1-based): chr1:156,134,881, G>A. VCF-style: chr1-156134881-G-A. GRCh37 (hg19) VCF-style: chr1-156104672-G-A.
Other names: c.52G>A, p.Ala18Thr (NM_001406994.1, NM_001406999.1, NM_001407000.1 and 1 more transcripts); c.158G>A, p.Ser53Asn (NM_001406995.1, NM_001406996.1, NM_001406997.1 and 4 more transcripts); c.380G>A, p.Ser127Asn (NM_001406998.1, NM_001406989.1, NM_001257374.3); c.716G>A, p.Ser239Asn (NM_001406985.1, NM_001406991.1, NM_001406992.1 and 6 more transcripts); c.473G>A, p.Ser158Asn (NM_001406986.1, NM_001406987.1, NM_001282624.2); c.419G>A, p.Ser140Asn (NM_001406988.1); short protein forms S127N, S158N, A18T, S140N, S53N, S239N.
Identifiers: ClinVar variation 5023612 (VCV005023612.1).